The following is an entry in ClinVar:

ClinVar aggregate classification (germline): Uncertain significance (1 of 4 stars; one submission).

Conditions:
Multiple congenital anomalies-hypotonia-seizures syndrome 1 (MCAHS1). Also called: GLYCOSYLPHOSPHATIDYLINOSITOL BIOSYNTHESIS DEFECT 3; PIGN-CDG; Congenital disorder of glycosylation due to PIGN deficiency. Identifiers: Orphanet 280633, MedGen C3279775, MONDO:0013563, OMIM 614080.

Allele frequency attached by ClinVar (database versions not stated): gnomAD exomes below 0.00001; ExAC 0.00001.
gnomAD v4.1: 2 of 1,610,444 alleles (0.00012%); highest among the groups gnomAD compares: Non-Finnish European, 0.00017%; no homozygotes.

Submission:

Labcorp Genetics (formerly Invitae), Labcorp
Classification: Uncertain significance for Multiple congenital anomalies-hypotonia-seizures syndrome 1. Last evaluated: 2021-09-30. Review status: criteria provided, single submitter. Criteria: Invitae Variant Classification Sherloc (09022015). Collection method: clinical testing. Allele origin: germline.
Comment: This sequence change replaces glutamine with glutamic acid at codon 748 of the PIGN protein (p.Gln748Glu). The glutamine residue is moderately conserved and there is a small physicochemical difference between glutamine and glutamic acid. This variant is present in population databases (rs61755363, ExAC 0.002%). This variant has not been reported in the literature in individuals affected with PIGN-related conditions. Algorithms developed to predict the effect of missense changes on protein structure and function are either unavailable or do not agree on the potential impact of this missense change (SIFT: "Not Available"; PolyPhen-2: "Benign"; Align-GVGD: "Not Available"). In summary, the available evidence is currently insufficient to determine the role of this variant in disease. Therefore, it has been classified as a Variant of Uncertain Significance.

NM_176787.5(PIGN):c.2242C>G (p.Gln748Glu)

Gene: PIGN (phosphatidylinositol glycan anchor biosynthesis class N; minus strand). Cytogenetic location: 18q21.33.
Variant type: single nucleotide variant.
Coding change: c.2242C>G on transcript NM_176787.5 (MANE Select); coding-DNA position 2242, C replaced by G.
Protein change: p.Gln748Glu; replaces glutamine 748 with glutamic acid.
Molecular consequence: missense variant.
Genome position (GRCh38, 1-based): chr18:62,090,517, G>C on the plus strand (C>G on the coding strand, the complement: PIGN is on the minus strand). VCF-style: chr18-62090517-G-C. GRCh37 (hg19) VCF-style: chr18-59757750-G-C.
Other names: c.2242C>G, p.Gln748Glu (NM_012327.6); short protein forms Q748E.
Identifiers: ClinVar variation 1413711 (VCV001413711.3), dbSNP rs61755363, ClinGen allele CA8982031.
Genomic context (GRCh38, chr18:62,090,517, plus strand): 5'-AATGACTTTGACCAGCTACCTTTTGTTTACAGCAAACACCAGATTGTTGTAGAGTTTCTT[G>C]TTCTATGTTTATCCAGACAAACATCAAACAAGACAACACTAGTGGAAAGAGAGCTTCATA-3'
Protein context (NP_789744.1, residues 738-758): CLMFVWINIE[Gln748Glu]ETLQQSGVCC